The following is an entry in ClinVar:

ClinVar aggregate classification (germline): Benign/Likely benign. Review status: criteria provided, multiple submitters, no conflicts (2 of 4 stars). 3 submissions from 3 submitters: Benign (1); Likely benign (1). 1 of the submissions does not count toward it. Last evaluated 2026-01-28.

Conditions:
MOCS1-related disorder. Also called: MOCS1-related condition.
Sulfite oxidase deficiency due to molybdenum cofactor deficiency type A. Also called: Molybdenum Cofactor Deficiency A; Molybdenum cofactor deficiency, complementation group A. Identifiers: Orphanet 308386, Orphanet 833, MedGen C1854988, MONDO:0009643, OMIM 252150.

Allele frequency attached by ClinVar (database versions not stated): 1000 Genomes Project 30x 0.00016.
gnomAD v4.1: 497 of 1,613,940 alleles (0.031%); highest among the groups gnomAD compares: South Asian, 0.38%; 2 homozygotes.

Submissions (3):

Labcorp Genetics (formerly Invitae), Labcorp
Classification: Benign for Sulfite oxidase deficiency due to molybdenum cofactor deficiency type A. Last evaluated: 2026-01-28. Review status: criteria provided, single submitter. Criteria: Invitae Variant Classification Sherloc (09022015). Collection method: clinical testing. Allele origin: germline.

Blueprint Genetics
Classification: Likely benign. Last evaluated: 2024-11-21. Review status: criteria provided, single submitter. Criteria: ACMG Guidelines, 2015. Collection method: clinical testing. Allele origin: germline.

PreventionGenetics, part of Exact Sciences
Classification: Likely benign for MOCS1-related condition. Last evaluated: 2019-05-27. Review status: no assertion criteria provided. Collection method: clinical testing. Allele origin: germline. Not counted in ClinVar's aggregate classification.
Comment: This variant is classified as likely benign based on ACMG/AMP sequence variant interpretation guidelines (Richards et al. 2015 PMID: 25741868, with internal and published modifications).

NM_001358530.2(MOCS1):c.645+9G>A

Gene: MOCS1 (molybdenum cofactor synthesis 1; minus strand). Cytogenetic location: 6p21.2.
Variant type: single nucleotide variant.
Coding change: c.645+9G>A on transcript NM_001358530.2 (MANE Select); 9 bases into the intron after coding-DNA position 645, G replaced by A.
Molecular consequence: intron variant.
Genome position (GRCh38, 1-based): chr6:39,913,765, C>T on the plus strand (G>A on the coding strand, the complement: MOCS1 is on the minus strand). VCF-style: chr6-39913765-C-T. GRCh37 (hg19) VCF-style: chr6-39881509-C-T.
Other names: c.645+9G>A (NM_005943.5, NM_001358529.2, NM_001075098.4 and 1 more transcripts); c.384+9G>A (NM_001358531.2, NM_001358533.2, NM_001358534.2).
Identifiers: ClinVar variation 1168593 (VCV001168593.12), dbSNP rs73732319, ClinGen allele CA3796215.